The following is an entry in ClinVar:

NM_001005273.3(CHD3):c.3559C>A (p.Arg1187Ser)

Gene: CHD3 (chromodomain helicase DNA binding protein 3; plus strand). Cytogenetic location: 17p13.1.
Variant type: single nucleotide variant.
Coding change: c.3559C>A on transcript NM_001005273.3 (MANE Select); coding-DNA position 3559, C replaced by A.
Protein change: p.Arg1187Ser; replaces arginine 1187 with serine.
Molecular consequence: missense variant.
Genome position (GRCh38, 1-based): chr17:7,903,335, C>A. VCF-style: chr17-7903335-C-A. GRCh37 (hg19) VCF-style: chr17-7806653-C-A.
Other names: c.3736C>A, p.Arg1246Ser (NM_001005271.3, NM_001437504.1); c.3724C>A, p.Arg1242Ser (NM_001437507.1, NM_001437508.1, NM_001437509.1); c.3559C>A, p.Arg1187Ser (NM_005852.4); short protein forms R1187S, R1242S, R1246S.
Identifiers: ClinVar variation 4856061 (VCV004856061.1).

ClinVar aggregate classification (germline): Uncertain significance (1 of 4 stars; one submission).

Conditions:
Snijders Blok-Campeau syndrome. Also called: INTELLECTUAL DEVELOPMENTAL DISORDER WITH MACROCEPHALY, SPEECH DELAY, AND DYSMORPHIC FACIES. Identifiers: Orphanet 599082, MedGen C4748701, MONDO:0032600, OMIM 618205.

Submission:

3billion
Classification: Uncertain significance for Snijders Blok-Campeau syndrome. Last evaluated: 2025-12-23. Review status: criteria provided, single submitter. Criteria: ACMG Guidelines, 2015. Collection method: clinical testing. Allele origin: germline. Affected: yes.
Comment: The variant is not observed in the gnomAD v4.1.0 dataset. Predicted Consequence/Location: Missense variant In silico tool predictions suggest damaging effect of the variant on gene or gene product [REVEL: 0.71 (>=0.6, sensitivity 0.68 and specificity 0.92); 3Cnet: 0.89 (> 0.75, sensitivity 0.96 and precision 0.92)]. Different missense changes at the same codon (p.Arg1187Cys, p.Arg1187Gly, p.Arg1187His, p.Arg1187Pro) have been reported as pathogenic/likely pathogenic with strong evidence (ClinVar ID: VCV000549744, VCV001384736, VCV003342107 /PMID: 30397230 /3billion dataset). Therefore, this variant is classified as VUS according to the recommendation of ACMG/AMP guideline.

Literature cited by the submitters: PubMed 30397230.